The following is an entry in ClinVar:

NM_024675.4(PALB2):c.498T>A (p.Thr166=)

Gene: PALB2 (partner and localizer of BRCA2; minus strand). Cytogenetic location: 16p12.2.
Variant type: single nucleotide variant.
Coding change: c.498T>A on transcript NM_024675.4 (MANE Select); coding-DNA position 498, T replaced by A.
Protein change: p.Thr166=; no amino-acid change (threonine 166 retained).
Molecular consequence: synonymous variant.
Genome position (GRCh38, 1-based): chr16:23,636,048, A>T on the plus strand (T>A on the coding strand, the complement: PALB2 is on the minus strand). VCF-style: chr16-23636048-A-T. GRCh37 (hg19) VCF-style: chr16-23647369-A-T.
Identifiers: ClinVar variation 1487440 (VCV001487440.10), dbSNP rs1597099121, ClinGen allele CA494461915.

ClinVar aggregate classification (germline): Benign/Likely benign. Review status: criteria provided, multiple submitters, no conflicts (2 of 4 stars). 2 submissions from 2 submitters: Benign (1); Likely benign (1). Last evaluated 2025-01-10.

Conditions:
Familial cancer of breast. Also called: Hereditary breast cancer; BREAST CANCER, FAMILIAL; hereditary breast carcinoma. Identifiers: Orphanet 227535, MedGen C0346153, MONDO:0016419, OMIM 114480. Disease mechanism: loss of function.

Submissions (2):

Myriad Genetics, Inc.
Classification: Benign for Familial cancer of breast. Last evaluated: 2025-01-10. Review status: criteria provided, single submitter. Criteria: Myriad Autosomal Dominant, Autosomal Recessive and X-Linked Classification Criteria (2023). Collection method: clinical testing. Allele origin: unknown.
Comment: This variant is considered benign. This variant is a silent/synonymous amino acid change and it is not expected to impact splicing.

Labcorp Genetics (formerly Invitae), Labcorp
Classification: Likely benign for Familial cancer of breast. Last evaluated: 2024-02-17. Review status: criteria provided, single submitter. Criteria: Invitae Variant Classification Sherloc (09022015). Collection method: clinical testing. Allele origin: germline.